The following is an entry in ClinVar:

ClinVar aggregate classification (germline): Uncertain significance. Review status: criteria provided, multiple submitters, no conflicts (2 of 4 stars). 2 submissions from 2 submitters: Uncertain significance (2). Last evaluated 2023-04-18.

Conditions:
Inborn genetic diseases. Identifiers: MedGen C0950123, MeSH D030342.
Compton-North congenital myopathy (CMYO12). Identifiers: Orphanet 210163, MedGen C2675527, MONDO:0012929, OMIM 612540.

Allele frequency attached by ClinVar (database versions not stated): gnomAD exomes below 0.00001 and 0.00001.
gnomAD v4.1: 7 of 1,612,912 alleles (0.00043%); highest among the groups gnomAD compares: South Asian, 0.0066%; no homozygotes.

Submissions (2):

Ambry Genetics
Classification: Uncertain significance for Inborn genetic diseases. Last evaluated: 2023-04-18. Review status: criteria provided, single submitter. Criteria: Ambry Variant Classification Scheme 2023. Collection method: clinical testing. Allele origin: germline.

Labcorp Genetics (formerly Invitae), Labcorp
Classification: Uncertain significance for Compton-North congenital myopathy. Last evaluated: 2022-06-04. Review status: criteria provided, single submitter. Criteria: Invitae Variant Classification Sherloc (09022015). Collection method: clinical testing. Allele origin: germline.
Comment: This sequence change replaces isoleucine, which is neutral and non-polar, with valine, which is neutral and non-polar, at codon 288 of the CNTN1 protein (p.Ile288Val). This variant is present in population databases (no rsID available, gnomAD 0.006%). This variant has not been reported in the literature in individuals affected with CNTN1-related conditions. ClinVar contains an entry for this variant (Variation ID: 963672). Advanced modeling of protein sequence and biophysical properties (such as structural, functional, and spatial information, amino acid conservation, physicochemical variation, residue mobility, and thermodynamic stability) performed at Invitae indicates that this missense variant is not expected to disrupt CNTN1 protein function. Algorithms developed to predict the effect of sequence changes on RNA splicing suggest that this variant may create or strengthen a splice site. In summary, the available evidence is currently insufficient to determine the role of this variant in disease. Therefore, it has been classified as a Variant of Uncertain Significance.

NM_001843.4(CNTN1):c.862A>G (p.Ile288Val)

Gene: CNTN1 (contactin 1; plus strand). Cytogenetic location: 12q12.
Variant type: single nucleotide variant.
Coding change: c.862A>G on transcript NM_001843.4 (MANE Select); coding-DNA position 862, A replaced by G.
Protein change: p.Ile288Val; replaces isoleucine 288 with valine.
Molecular consequence: missense variant.
Genome position (GRCh38, 1-based): chr12:40,933,755, A>G. VCF-style: chr12-40933755-A-G. GRCh37 (hg19) VCF-style: chr12-41327557-A-G.
Other names: c.862A>G, p.Ile288Val (NM_001256063.2, NM_001256064.2); c.829A>G, p.Ile277Val (NM_175038.2); c.862A>G (NM_001843.2); short protein forms I277V, I288V.
Identifiers: ClinVar variation 963672 (VCV000963672.12), dbSNP rs1458269504, ClinGen allele CA384423269.